The following is an entry in ClinVar:

NM_001414.4(EIF2B1):c.256_257del (p.Tyr86fs)

Gene: EIF2B1 (eukaryotic translation initiation factor 2B subunit alpha; minus strand). Cytogenetic location: 12q24.31.
Variant type: Deletion.
Coding change: c.256_257del on transcript NM_001414.4 (MANE Select); coding-DNA positions 256 to 257, 2 bases deleted (TA; older notation c.256_257delTA).
Protein change: p.Tyr86fs; shifts the reading frame from tyrosine 86.
Molecular consequence: frameshift variant.
Genome position (GRCh38, 1-based): chr12:123,630,281-123,630,282, TA deleted on the plus strand (TA on the coding strand, the reverse complement: EIF2B1 is on the minus strand). VCF-style (leftmost placement, unchanged base first): chr12-123630280-GTA-G. GRCh37 (hg19) VCF-style: chr12-124114827-GTA-G.
Other names: short protein forms Y86fs.
Identifiers: ClinVar variation 2828613 (VCV002828613.3), dbSNP rs2541675859, ClinGen allele CA2739277348.

ClinVar aggregate classification (germline): Pathogenic (1 of 4 stars; one submission).

Submission:

Labcorp Genetics (formerly Invitae), Labcorp
Classification: Pathogenic. Last evaluated: 2023-01-14. Review status: criteria provided, single submitter. Criteria: Invitae Variant Classification Sherloc (09022015). Collection method: clinical testing. Allele origin: germline.
Comment: For these reasons, this variant has been classified as Pathogenic. This variant has not been reported in the literature in individuals affected with EIF2B1-related conditions. This variant is not present in population databases (gnomAD no frequency). This sequence change creates a premature translational stop signal (p.Tyr86Leufs*4) in the EIF2B1 gene. It is expected to result in an absent or disrupted protein product. Loss-of-function variants in EIF2B1 are known to be pathogenic (PMID: 11835386, 32865661).

Literature cited by the submitters: PubMed 11835386; PubMed 32865661.